The following is an entry in ClinVar:

ClinVar aggregate classification (germline): Likely benign. Review status: criteria provided, multiple submitters, no conflicts (2 of 4 stars). 2 submissions from 2 submitters: Likely benign (2). Last evaluated 2026-01-21.

Conditions:
Early-infantile DEE. Also called: Early infantile epileptic encephalopathy with suppression bursts; Ohtahara syndrome; Early infantile epileptic encephalopathy. Identifiers: Orphanet 1934, MedGen C0393706, MONDO:0800491.

Allele frequency attached by ClinVar (database versions not stated): ExAC 0.00004; gnomAD 0.00004 and 0.00005; TOPMed 0.00004; gnomAD exomes 0.00005.
gnomAD v4.1: 40 of 1,613,422 alleles (0.0025%); highest among the groups gnomAD compares: East Asian, 0.0067%; no homozygotes.

Submissions (2):

Labcorp Genetics (formerly Invitae), Labcorp
Classification: Likely benign for Early-infantile DEE. Last evaluated: 2026-01-21. Review status: criteria provided, single submitter. Criteria: Invitae Variant Classification Sherloc (09022015). Collection method: clinical testing. Allele origin: germline.

GeneDx
Classification: Likely benign. Last evaluated: 2018-02-21. Review status: criteria provided, single submitter. Criteria: GeneDx Variant Classification (06012015). Collection method: clinical testing. Allele origin: germline. Affected: yes.
Comment: This variant is considered likely benign or benign based on one or more of the following criteria: it is a conservative change, it occurs at a poorly conserved position in the protein, it is predicted to be benign by multiple in silico algorithms, and/or has population frequency not consistent with disease.

NM_001130438.3(SPTAN1):c.6858G>A (p.Lys2286=)

Gene: SPTAN1 (spectrin alpha, non-erythrocytic 1; plus strand). Cytogenetic location: 9q34.11.
Variant type: single nucleotide variant.
Coding change: c.6858G>A on transcript NM_001130438.3 (MANE Select); coding-DNA position 6858, G replaced by A.
Protein change: p.Lys2286=; no amino-acid change (lysine 2286 retained).
Molecular consequence: synonymous variant.
Genome position (GRCh38, 1-based): chr9:128,632,222, G>A. VCF-style: chr9-128632222-G-A. GRCh37 (hg19) VCF-style: chr9-131394501-G-A.
Other names: c.6783G>A, p.Lys2261= (NM_001195532.2); c.6921G>A, p.Lys2307= (NM_001363759.2); c.6798G>A, p.Lys2266= (NM_001363765.2); c.6843G>A, p.Lys2281= (NM_003127.4).
Identifiers: ClinVar variation 386557 (VCV000386557.12), dbSNP rs750291744, ClinGen allele CA5265924.